The following is an entry in ClinVar:

NM_032888.4(COL27A1):c.4745C>T (p.Ser1582Leu)

Gene: COL27A1 (collagen type XXVII alpha 1 chain; plus strand). Cytogenetic location: 9q32.
Variant type: single nucleotide variant.
Coding change: c.4745C>T on transcript NM_032888.4 (MANE Select); coding-DNA position 4745, C replaced by T.
Protein change: p.Ser1582Leu; replaces serine 1582 with leucine.
Molecular consequence: missense variant.
Genome position (GRCh38, 1-based): chr9:114,301,115, C>T. VCF-style: chr9-114301115-C-T. GRCh37 (hg19) VCF-style: chr9-117063395-C-T.
Other names: short protein forms S1582L.
Identifiers: ClinVar variation 3706782 (VCV003706782.1).

ClinVar aggregate classification (germline): Uncertain significance (1 of 4 stars; one submission).

gnomAD v4.1: 13 of 1,613,454 alleles (0.00081%); highest among the groups gnomAD compares: East Asian, 0.018%; no homozygotes.

Submission:

Labcorp Genetics (formerly Invitae), Labcorp
Classification: Uncertain significance. Last evaluated: 2024-10-25. Review status: criteria provided, single submitter. Criteria: Invitae Variant Classification Sherloc (09022015). Collection method: clinical testing. Allele origin: germline.
Comment: This sequence change replaces serine, which is neutral and polar, with leucine, which is neutral and non-polar, at codon 1582 of the COL27A1 protein (p.Ser1582Leu). This variant is present in population databases (rs766382533, gnomAD 0.02%). This variant has not been reported in the literature in individuals affected with COL27A1-related conditions. Invitae Evidence Modeling of protein sequence and biophysical properties (such as structural, functional, and spatial information, amino acid conservation, physicochemical variation, residue mobility, and thermodynamic stability) indicates that this missense variant is not expected to disrupt COL27A1 protein function with a negative predictive value of 80%. In summary, the available evidence is currently insufficient to determine the role of this variant in disease. Therefore, it has been classified as a Variant of Uncertain Significance.